The following is an entry in ClinVar:

ClinVar aggregate classification (germline): Uncertain significance. Review status: criteria provided, multiple submitters, no conflicts (2 of 4 stars). 2 submissions from 2 submitters: Uncertain significance (2). Last evaluated 2026-06-23.

Conditions:
SEMA3F-related disorder. Also called: SEMA3F-related condition.

Allele frequency attached by ClinVar (database versions not stated): gnomAD exomes below 0.00001; gnomAD 0.00001; TOPMed 0.00001.
gnomAD v4.1: 3 of 1,613,966 alleles (0.00019%); highest among the groups gnomAD compares: African/African-American, 0.004%; no homozygotes.

Submissions (2):

PreventionGenetics, part of Exact Sciences
Classification: Uncertain significance for SEMA3F-related condition. Last evaluated: 2026-06-23. Review status: criteria provided, single submitter. Criteria: ACMG Guidelines, 2015. Collection method: clinical testing. Allele origin: germline.
Comment: The SEMA3F c.1181A>G variant is predicted to result in the amino acid substitution p.Asn394Ser. To our knowledge, this variant has not been reported in the literature. This variant is reported in 0.011% of alleles in individuals of African descent in gnomAD. At this time, the clinical significance of this variant is uncertain due to the absence of conclusive functional and genetic evidence.

Ambry Genetics
Classification: Uncertain significance. Last evaluated: 2022-06-17. Review status: criteria provided, single submitter. Criteria: Ambry Variant Classification Scheme 2023. Collection method: clinical testing. Allele origin: germline.

NM_004186.5(SEMA3F):c.1181A>G (p.Asn394Ser)

Gene: SEMA3F (semaphorin 3F; plus strand). Cytogenetic location: 3p21.31.
Variant type: single nucleotide variant.
Coding change: c.1181A>G on transcript NM_004186.5 (MANE Select); coding-DNA position 1181, A replaced by G.
Protein change: p.Asn394Ser; replaces asparagine 394 with serine.
Molecular consequence: missense variant.
Genome position (GRCh38, 1-based): chr3:50,183,512, A>G. VCF-style: chr3-50183512-A-G. GRCh37 (hg19) VCF-style: chr3-50220945-A-G.
Other names: c.884A>G, p.Asn295Ser (NM_001318798.2); c.1088A>G, p.Asn363Ser (NM_001318800.2); c.1181A>G (NM_004186.4); short protein forms N363S, N394S, N295S.
Identifiers: ClinVar variation 2295596 (VCV002295596.3), dbSNP rs1195031315, ClinGen allele CA352892589.